The following is an entry in ClinVar:

ClinVar aggregate classification (germline): Likely benign. Review status: criteria provided, multiple submitters, no conflicts (2 of 4 stars). 2 submissions from 2 submitters: Likely benign (2). Last evaluated 2026-03-12.

Conditions:
INF2-related disorder. Also called: INF2-related condition.
Focal segmental glomerulosclerosis 5 (FSGS5). Identifiers: Orphanet 656, MedGen C2750475, MONDO:0013191, OMIM 613237.
Charcot-Marie-Tooth disease dominant intermediate E. Also called: CHARCOT-MARIE-TOOTH NEUROPATHY WITH FOCAL SEGMENTAL GLOMERULONEPHRITIS. Identifiers: Orphanet 93114, MedGen C4302667, MONDO:0013758, OMIM 614455.

Allele frequency attached by ClinVar (database versions not stated): gnomAD 0.00002; gnomAD exomes 0.00002; TOPMed 0.00002; ExAC 0.00003; ESP Exome Variant Server 0.00016.
gnomAD v4.1: 41 of 1,612,182 alleles (0.0025%); highest among the groups gnomAD compares: Non-Finnish European, 0.0034%; no homozygotes.

Submissions (2):

PreventionGenetics, part of Exact Sciences
Classification: Likely benign for INF2-related condition. Last evaluated: 2026-03-12. Review status: criteria provided, single submitter. Criteria: ACMG Guidelines, 2015. Collection method: clinical testing. Allele origin: germline.
Comment: This variant is classified as likely benign based on ACMG/AMP sequence variant interpretation guidelines (Richards et al. 2015 PMID: 25741868, with internal and published modifications).

Labcorp Genetics (formerly Invitae), Labcorp
Classification: Likely benign for Charcot-Marie-Tooth disease dominant intermediate E; Focal segmental glomerulosclerosis 5. Last evaluated: 2024-08-28. Review status: criteria provided, single submitter. Criteria: Invitae Variant Classification Sherloc (09022015). Collection method: clinical testing. Allele origin: germline.

NM_022489.4(INF2):c.2419-8C>A

Gene: INF2 (inverted formin 2; plus strand). Cytogenetic location: 14q32.33.
Variant type: single nucleotide variant.
Coding change: c.2419-8C>A on transcript NM_022489.4 (MANE Select); 8 bases into the intron before coding-DNA position 2419, C replaced by A.
Molecular consequence: intron variant.
Genome position (GRCh38, 1-based): chr14:104,711,621, C>A. VCF-style: chr14-104711621-C-A. GRCh37 (hg19) VCF-style: chr14-105177958-C-A.
Other names: c.2419-8C>A (NM_001031714.4).
Identifiers: ClinVar variation 540075 (VCV000540075.9), dbSNP rs372720253, ClinGen allele CA7372932.